The following is an entry in ClinVar:

NM_000443.4(ABCB4):c.345-65GAAAA[3]

Gene: ABCB4 (ATP binding cassette subfamily B member 4; minus strand). Cytogenetic location: 7q21.12.
Variant type: Microsatellite.
Coding change: c.345-65GAAAA[3] on transcript NM_000443.4 (MANE Select); three copies in a row of the 5-base unit GAAAA starting at c.345-65; the reference has four copies in a row; one copy, 5 bases deleted.
Molecular consequence: intron variant.
Genome position (GRCh38, 1-based): chr7:87,453,181-87,453,185, TTTTC deleted on the plus strand (GAAAA on the coding strand, the reverse complement: ABCB4 is on the minus strand); deleting any 5 consecutive bases within chr7:87,453,181-87,453,201 gives the same sequence; the position shown is the placement nearest the transcript's 3' end. VCF-style (leftmost placement, unchanged base first): chr7-87453180-TTTTTC-T. GRCh37 (hg19) VCF-style: chr7-87082496-TTTTTC-T.
Other names: c.345-65GAAAA[3] (NM_018850.3, NM_018849.3); c.345-50_345-46del (NM_000443.4).
Identifiers: ClinVar variation 1321819 (VCV001321819.3), dbSNP rs199500302, ClinGen allele CA4327561.

ClinVar aggregate classification (germline): Likely benign. Review status: criteria provided, multiple submitters, no conflicts (2 of 4 stars). 2 submissions from 2 submitters: Likely benign (2). Last evaluated 2026-04-14.

Conditions:
Familial intrahepatic cholestasis. Identifiers: Orphanet 284385, MedGen CN296401, MONDO:0017290.

Submissions (2):

Genomenon, Inc
Classification: Likely benign for Familial intrahepatic cholestasis. Last evaluated: 2026-04-14. Review status: criteria provided, single submitter. Criteria: Genomenon Sequence Variant Interpretation Standards - Updated. Collection method: curation. Allele origin: germline. Affected: no.
Comment: ABCB4 c.345-50_345-46del is a deletion variant located in intron 5. This variant has been reported in the published literature (PMID:17187437). This intronic variant is not predicted to impact splicing. This variant’s allele frequency in gnomAD is greater than expected for this disorder. In conclusion, we classify ABCB4 c.345-50_345-46del as a likely benign variant.

GeneDx
Classification: Likely benign. Last evaluated: 2021-05-11. Review status: criteria provided, single submitter. Criteria: GeneDx Variant Classification Process June 2021. Collection method: clinical testing. Allele origin: germline. Affected: yes.
Comment: This variant is associated with the following publications: (PMID: 16891356)

Literature cited by the submitters: PubMed 17187437 (cited by Genomenon, Inc).